The following is an entry in ClinVar:

ClinVar aggregate classification (germline): Uncertain significance (1 of 4 stars; one submission).

Submission:

Labcorp Genetics (formerly Invitae), Labcorp
Classification: Uncertain significance. Last evaluated: 2023-07-28. Review status: criteria provided, single submitter. Criteria: Invitae Variant Classification Sherloc (09022015). Collection method: clinical testing. Allele origin: germline.
Comment: In summary, the available evidence is currently insufficient to determine the role of this variant in disease. Therefore, it has been classified as a Variant of Uncertain Significance. Advanced modeling of protein sequence and biophysical properties (such as structural, functional, and spatial information, amino acid conservation, physicochemical variation, residue mobility, and thermodynamic stability) has been performed at Invitae for this missense variant, however the output from this modeling did not meet the statistical confidence thresholds required to predict the impact of this variant on IGF1R protein function. This variant has not been reported in the literature in individuals affected with IGF1R-related conditions. This variant is not present in population databases (gnomAD no frequency). This sequence change replaces asparagine, which is neutral and polar, with serine, which is neutral and polar, at codon 172 of the IGF1R protein (p.Asn172Ser).

NM_000875.5(IGF1R):c.515A>G (p.Asn172Ser)

Gene: IGF1R (insulin like growth factor 1 receptor; plus strand). Cytogenetic location: 15q26.3.
Variant type: single nucleotide variant.
Coding change: c.515A>G on transcript NM_000875.5 (MANE Select); coding-DNA position 515, A replaced by G.
Protein change: p.Asn172Ser; replaces asparagine 172 with serine.
Molecular consequence: missense variant.
Genome position (GRCh38, 1-based): chr15:98,707,982, A>G. VCF-style: chr15-98707982-A-G. GRCh37 (hg19) VCF-style: chr15-99251211-A-G.
Other names: c.515A>G, p.Asn172Ser (NM_001291858.2); short protein forms N172S.
Identifiers: ClinVar variation 2747970 (VCV002747970.3), dbSNP rs2505516802, ClinGen allele CA393697440.